The following is an entry in ClinVar:

ClinVar aggregate classification (germline): Uncertain significance (1 of 4 stars; one submission).

Conditions:
Glycogen storage disease IXd (GSD9D). Also called: GSD IXd; Muscle Phosphorylase Kinase Deficiency. Identifiers: Orphanet 715, MedGen C1845151, MONDO:0010362, OMIM 300559.

Allele frequency attached by ClinVar (database versions not stated): gnomAD exomes below 0.00001; gnomAD 0.00001; TOPMed 0.00002; ExAC 0.00004.
gnomAD v4.1: 3 of 1,203,500 alleles (0.00025%); highest among the groups gnomAD compares: African/African-American, 0.0053%; no homozygotes.

Submission:

Labcorp Genetics (formerly Invitae), Labcorp
Classification: Uncertain significance for Glycogen storage disease IXd. Last evaluated: 2022-08-07. Review status: criteria provided, single submitter. Criteria: Invitae Variant Classification Sherloc (09022015). Collection method: clinical testing. Allele origin: germline.
Comment: In summary, the available evidence is currently insufficient to determine the role of this variant in disease. Therefore, it has been classified as a Variant of Uncertain Significance. Algorithms developed to predict the effect of missense changes on protein structure and function are either unavailable or do not agree on the potential impact of this missense change (SIFT: "Deleterious"; PolyPhen-2: "Possibly Damaging"; Align-GVGD: "Class C0"). This variant has not been reported in the literature in individuals affected with PHKA1-related conditions. This variant is present in population databases (rs782710317, gnomAD 0.03%). This sequence change replaces arginine, which is basic and polar, with cysteine, which is neutral and slightly polar, at codon 821 of the PHKA1 protein (p.Arg821Cys).

NM_002637.4(PHKA1):c.2461C>T (p.Arg821Cys)

Gene: PHKA1 (phosphorylase kinase regulatory subunit alpha 1; minus strand). Cytogenetic location: Xq13.1.
Variant type: single nucleotide variant.
Coding change: c.2461C>T on transcript NM_002637.4 (MANE Select); coding-DNA position 2461, C replaced by T.
Protein change: p.Arg821Cys; replaces arginine 821 with cysteine.
Molecular consequence: missense variant.
Genome position (GRCh38, 1-based): chrX:72,611,093, G>A on the plus strand (C>T on the coding strand, the complement: PHKA1 is on the minus strand). VCF-style: chrX-72611093-G-A. GRCh37 (hg19) VCF-style: chrX-71830943-G-A.
Other names: c.2461C>T, p.Arg821Cys (NM_001122670.2); c.2284C>T, p.Arg762Cys (NM_001172436.2); short protein forms R821C, R762C.
Identifiers: ClinVar variation 2201661 (VCV002201661.4), dbSNP rs782710317, ClinGen allele CA10450687.
Genomic context (GRCh38, chrX:72,611,093, plus strand): 5'-CAAGTGCTTCCACTTTCTTCCTTAAGATCCCAGAAATGTATCGGATCAGGCCCCAGTGAC[G>A]AATTTCTCCCACTTTGCCATACAGCTCGGTAAGAAGCTCTCTCACTGTAGCACTCCGTTC-3'
Protein context (NP_002628.2, residues 811-831): TELYGKVGEI[Arg821Cys]HWGLIRYISG